The following is an entry in ClinVar:

ClinVar aggregate classification (germline): Uncertain significance. Review status: criteria provided, multiple submitters, no conflicts (2 of 4 stars). 3 submissions from 3 submitters: Uncertain significance (3). Last evaluated 2025-07-29.

Conditions:
Hereditary cancer-predisposing syndrome. Also called: Neoplastic Syndromes, Hereditary; Tumor predisposition; Hereditary neoplastic syndrome; Hereditary Cancer Syndrome. Identifiers: Orphanet 140162, MedGen C0027672, MeSH D009386, MONDO:0015356.
Familial adenomatous polyposis 1 (FAP1). Also called: POLYPOSIS, ADENOMATOUS INTESTINAL; FAMILIAL ADENOMATOUS POLYPOSIS 1, ATTENUATED. Identifiers: MedGen C2713442, MONDO:0021056, OMIM 175100. Disease mechanism: loss of function.

Allele frequency attached by ClinVar (database versions not stated): gnomAD exomes below 0.00001; ExAC 0.00001.

Submissions (3):

Labcorp Genetics (formerly Invitae), Labcorp
Classification: Uncertain significance for Familial adenomatous polyposis 1. Last evaluated: 2025-07-29. Review status: criteria provided, single submitter. Criteria: Invitae Variant Classification Sherloc (09022015). Collection method: clinical testing. Allele origin: germline.
Comment: This variant, c.8439_8441del, results in the deletion of 1 amino acid(s) of the APC protein (p.Lys2815del), but otherwise preserves the integrity of the reading frame. This variant is present in population databases (rs752826841, gnomAD 0.004%). This variant has been observed in individual(s) with medulloblastoma (PMID: 24651015). ClinVar contains an entry for this variant (Variation ID: 630204). Experimental studies and prediction algorithms are not available or were not evaluated, and the functional significance of this variant is currently unknown. In summary, the available evidence is currently insufficient to determine the role of this variant in disease. Therefore, it has been classified as a Variant of Uncertain Significance.

Ambry Genetics
Classification: Uncertain significance for Hereditary cancer-predisposing syndrome. Last evaluated: 2021-10-06. Review status: criteria provided, single submitter. Criteria: Ambry Variant Classification Scheme 2023. Collection method: clinical testing. Allele origin: germline.
Comment: The c.8439_8441delAAA variant (also known as p.K2815del) is located in coding exon 15 of the APC gene. This variant results from an in-frame AAA deletion at nucleotide positions 8439 to 8441. This results in the in-frame deletion of a lysine at codon 2815. This amino acid position is highly conserved in available vertebrate species. In addition, the in silico prediction for this alteration is inconclusive (Choi Y et al. PLoS ONE. 2012; 7(10):e46688). Since supporting evidence is limited at this time, the clinical significance of this alteration remains unclear.

Color Diagnostics, LLC DBA Color Health
Classification: Uncertain significance for Hereditary cancer-predisposing syndrome. Last evaluated: 2018-11-06. Review status: criteria provided, single submitter. Criteria: ACMG Guidelines, 2015. Collection method: clinical testing. Allele origin: germline.

Literature cited by the submitters: PubMed 24651015 (cited by Labcorp Genetics (formerly Invitae), Labcorp).

NM_000038.6(APC):c.8439_8441del (p.Lys2815del)

Gene: APC (APC regulator of Wnt signaling pathway; plus strand). Cytogenetic location: 5q22.2.
Variant type: Deletion.
Coding change: c.8439_8441del on transcript NM_000038.6 (MANE Select); coding-DNA positions 8439 to 8441, 3 bases deleted (AAA; older notation c.8439_8441delAAA).
Protein change: p.Lys2815del; deletes lysine 2815.
Molecular consequence: inframe deletion.
Genome position (GRCh38, 1-based): chr5:112,844,033-112,844,035, AAA deleted. VCF-style (leftmost placement, unchanged base first): chr5-112844032-CAAA-C. GRCh37 (hg19) VCF-style: chr5-112179729-CAAA-C.
Other names: c.8439_8441del (NM_000038.5); c.8439_8441del, p.Lys2815del (NM_001127510.3, NM_001354895.2); c.8385_8387del, p.Lys2797del (NM_001127511.3); c.8493_8495del, p.Lys2833del (NM_001354896.2); c.8469_8471del, p.Lys2825del (NM_001354897.2); c.8364_8366del, p.Lys2790del (NM_001354898.2); c.8355_8357del, p.Lys2787del (NM_001354899.2); c.8316_8318del, p.Lys2774del (NM_001354900.2); and 6 more; short protein forms K2724del, K2787del, K2815del, K2655del, K2714del, K2756del, K2797del, K2825del.
Identifiers: ClinVar variation 630204 (VCV000630204.15), dbSNP rs752826841, ClinGen allele CA3368174.
Genomic context (GRCh38, chr5:112,844,032, plus strand): 5'-GCAGCGCAGATAGCACTTCAGCTCGGCCATCTCAGATCCCAACTCCAGTGAATAACAACA[CAAA>C]GAAGCGAGATTCCAAAACTGACAGCACAGAATCCAGTGGAACCCAAAGTCCTAAGCGCCA-3'